The following is an entry in ClinVar:

ClinVar aggregate classification (germline): Uncertain significance (1 of 4 stars; one submission).

Conditions:
Neurodevelopmental disorder with structural brain anomalies and dysmorphic facies (NEDBAF). Identifiers: Orphanet 659609, MedGen C5231416, MONDO:0032820, OMIM 618577.

Submission:

Victorian Clinical Genetics Services, Murdoch Childrens Research Institute
Classification: Uncertain significance for Neurodevelopmental disorder with structural brain anomalies and dysmorphic facies. Last evaluated: 2020-10-19. Review status: criteria provided, single submitter. Criteria: ACMG Guidelines, 2015. Collection method: clinical testing. Allele origin: germline. Inheritance: Autosomal dominant inheritance. Affected: yes.
Comment: Based on the classification scheme VCGS_Germline_v1.3.3, this variant is classified as 3A-VUS. Following criteria are met: 0105 - The mechanism of disease for this gene is not clearly established, however gain of function has been suggested (OMIM). (I) 0107 - This gene is associated with autosomal dominant disease. (I) 0200 - Variant is predicted to result in a missense amino acid change from glycine to aspartic acid. (I) 0251 - This variant is heterozygous. (I) 0301 - Variant is absent from gnomAD (both v2 and v3). (SP) 0501 - Missense variant consistently predicted to be damaging by multiple in silico tools or highly conserved with a major amino acid change. (SP) 0602 - Variant is located in a hotspot region or cluster of pathogenic variants. The variant is located within the GTP nucleotide phosphate-binding region of the Ras family domain, amongst a cluster of pathogenic missense variants (Decipher, PDB). (SP) 0705 - No comparable missense variants have previous evidence for pathogenicity. (I) 0807 - This variant has no previous evidence of pathogenicity. (I) 0905 - No published segregation evidence has been identified for this variant. (I) 1007 - No published functional evidence has been identified for this variant. (I) 1102 - Strong phenotype match for this individual. (SP) 1208 - Inheritance information for this variant is not currently available in this individual. (I) Legend: (SP) - Supporting pathogenic, (I) - Information, (SB) - Supporting benign

NM_005052.3(RAC3):c.179G>A (p.Gly60Asp)

Gene: RAC3 (Rac family small GTPase 3; plus strand). Cytogenetic location: 17q25.3.
Variant type: single nucleotide variant.
Coding change: c.179G>A on transcript NM_005052.3 (MANE Select); coding-DNA position 179, G replaced by A.
Protein change: p.Gly60Asp; replaces glycine 60 with aspartic acid.
Molecular consequence: missense variant.
Genome position (GRCh38, 1-based): chr17:82,032,782, G>A. VCF-style: chr17-82032782-G-A. GRCh37 (hg19) VCF-style: chr17-79990658-G-A.
Other names: c.179G>A, p.Gly60Asp (NM_001316307.2); short protein forms G60D.
Identifiers: ClinVar variation 1806098 (VCV001806098.1), dbSNP rs2510196033, ClinGen allele CA401552934.
Genomic context (GRCh38, chr17:82,032,782, plus strand): 5'-ACTCTGCCAACGTGATGGTGGACGGGAAACCAGTCAACTTGGGGCTGTGGGACACAGCGG[G>A]TCAGGAGGACTACGATCGGCTGCGGCCACTCTCCTACCCCCAAACTGTACGTAACAATGG-3'
Protein context (NP_005043.1, residues 50-70): PVNLGLWDTA[Gly60Asp]QEDYDRLRPL